The following is an entry in ClinVar:

ClinVar aggregate classification (germline): Uncertain significance. Review status: criteria provided, multiple submitters, no conflicts (2 of 4 stars). 2 submissions from 2 submitters: Uncertain significance (2). Last evaluated 2025-05-30.

Conditions:
RASopathy. Also called: Noonan spectrum disorder; rasopathies. Identifiers: Orphanet 536391, MedGen C5555857, MONDO:0021060.
Cardiovascular phenotype. Identifiers: MedGen CN230736.

Allele frequency attached by ClinVar (database versions not stated): TOPMed below 0.00001; gnomAD 0.00001.

Submissions (2):

Ambry Genetics
Classification: Uncertain significance for Cardiovascular phenotype. Last evaluated: 2025-05-30. Review status: criteria provided, single submitter. Criteria: Ambry Variant Classification Scheme 2023. Collection method: clinical testing. Allele origin: germline.

Labcorp Genetics (formerly Invitae), Labcorp
Classification: Uncertain significance for RASopathy. Last evaluated: 2022-11-26. Review status: criteria provided, single submitter. Criteria: Invitae Variant Classification Sherloc (09022015). Collection method: clinical testing. Allele origin: germline.
Comment: This sequence change replaces glycine, which is neutral and non-polar, with serine, which is neutral and polar, at codon 32 of the BRAF protein (p.Gly32Ser). This variant is present in population databases (no rsID available, gnomAD 0.007%). This variant has not been reported in the literature in individuals affected with BRAF-related conditions. Advanced modeling of protein sequence and biophysical properties (such as structural, functional, and spatial information, amino acid conservation, physicochemical variation, residue mobility, and thermodynamic stability) performed at Invitae indicates that this missense variant is not expected to disrupt BRAF protein function. In summary, the available evidence is currently insufficient to determine the role of this variant in disease. Therefore, it has been classified as a Variant of Uncertain Significance.

NM_004333.6(BRAF):c.94G>A (p.Gly32Ser)

Gene: BRAF (B-Raf proto-oncogene, serine/threonine kinase; minus strand). Cytogenetic location: 7q34.
Variant type: single nucleotide variant.
Coding change: c.94G>A on transcript NM_004333.6 (MANE Select); coding-DNA position 94, G replaced by A.
Protein change: p.Gly32Ser; replaces glycine 32 with serine.
Molecular consequence: missense variant.
Genome position (GRCh38, 1-based): chr7:140,924,610, C>T on the plus strand (G>A on the coding strand, the complement: BRAF is on the minus strand). VCF-style: chr7-140924610-C-T. GRCh37 (hg19) VCF-style: chr7-140624410-C-T.
Other names: c.94G>A, p.Gly32Ser (NM_001354609.2, NM_001374244.1, NM_001374258.1 and 7 more transcripts); short protein forms G32S.
Identifiers: ClinVar variation 2883285 (VCV002883285.4), dbSNP rs1325363555, ClinGen allele CA369590113.
Genomic context (GRCh38, chr7:140,924,610, plus strand): 5'-TGGCGCCAGCACTCACCTCCTCCGGAATGGCAGGGTCCGCAGCCGAAGAGGCCGCGGCGC[C>T]GGCGCCGGCGCCGGCCTCGGGCTCCATGTCCCCGTTGAACAGAGCCTGGCCCGGCTCCGC-3'
Protein context (NP_004324.2, residues 22-42): DMEPEAGAGA[Gly32Ser]AAASSAADPA